The following is an entry in ClinVar:

NM_025103.4(IFT74):c.1682A>G (p.Glu561Gly)

Gene: IFT74 (intraflagellar transport 74; plus strand). Cytogenetic location: 9p21.2.
Variant type: single nucleotide variant.
Coding change: c.1682A>G on transcript NM_025103.4 (MANE Select); coding-DNA position 1682, A replaced by G.
Protein change: p.Glu561Gly; replaces glutamic acid 561 with glycine.
Molecular consequence: missense variant.
Genome position (GRCh38, 1-based): chr9:27,060,649, A>G. VCF-style: chr9-27060649-A-G. GRCh37 (hg19) VCF-style: chr9-27060647-A-G.
Other names: c.1682A>G, p.Glu561Gly (NM_001099222.3, NM_001099223.3, NM_001349928.2); short protein forms E561G.
Identifiers: ClinVar variation 3346668 (VCV003346668.1).

ClinVar aggregate classification (germline): Uncertain significance (0 of 4 stars; one submission).

Conditions:
IFT74-related disorder. Also called: IFT74-related condition; IFT74-Related Disorders.

gnomAD v4.1: 6 of 1,599,904 alleles (0.00038%); highest among the groups gnomAD compares: Non-Finnish European, 0.00043%; no homozygotes.

Submission:

PreventionGenetics, part of Exact Sciences
Classification: Uncertain significance for IFT74-related condition. Last evaluated: 2024-05-22. Review status: no assertion criteria provided. Collection method: clinical testing. Allele origin: germline.
Comment: The IFT74 c.1682A>G variant is predicted to result in the amino acid substitution p.Glu561Gly. To our knowledge, this variant has not been reported in the literature. This variant is reported in 0.0016% of alleles in individuals of European (Non-Finnish) descent in gnomAD. At this time, the clinical significance of this variant is uncertain due to the absence of conclusive functional and genetic evidence.